The following is an entry in ClinVar:

ClinVar aggregate classification (germline): Pathogenic (1 of 4 stars; one submission).

Conditions:
Baller-Gerold syndrome (BGS). Also called: CRANIOSYNOSTOSIS WITH RADIAL DEFECTS. Identifiers: Orphanet 1225, MedGen C0265308, MONDO:0009039, OMIM 218600.

Submission:

Labcorp Genetics (formerly Invitae), Labcorp
Classification: Pathogenic for Baller-Gerold syndrome. Last evaluated: 2021-07-30. Review status: criteria provided, single submitter. Criteria: Invitae Variant Classification Sherloc (09022015). Collection method: clinical testing. Allele origin: germline.
Comment: For these reasons, this variant has been classified as Pathogenic. This premature translational stop signal has been observed in individual(s) with breast cancer (PMID: 30306255). This variant is not present in population databases (ExAC no frequency). This sequence change creates a premature translational stop signal (p.Phe404Serfs*2) in the RECQL4 gene. It is expected to result in an absent or disrupted protein product. Loss-of-function variants in RECQL4 are known to be pathogenic (PMID: 12734318, 12952869).

Literature cited by the submitters: PubMed 30306255; PubMed 12734318; PubMed 12952869.

NM_004260.4(RECQL4):c.1211del (p.Phe404fs)

Gene: RECQL4 (RecQ like helicase 4; minus strand). Cytogenetic location: 8q24.3.
Variant type: Deletion.
Coding change: c.1211del on transcript NM_004260.4 (MANE Select); coding-DNA position 1211, one base deleted (T; older notation c.1211delT).
Protein change: p.Phe404fs; shifts the reading frame from phenylalanine 404.
Molecular consequence: frameshift variant.
Genome position (GRCh38, 1-based): chr8:144,515,811, A deleted on the plus strand (T on the coding strand, the reverse complement: RECQL4 is on the minus strand); the first of 3 consecutive A bases (chr8:144,515,811-144,515,813); deleting any one gives the same sequence. VCF-style (leftmost placement, unchanged base first): chr8-144515810-GA-G. GRCh37 (hg19) VCF-style: chr8-145741194-GA-G.
Other names: short protein forms F404fs.
Identifiers: ClinVar variation 1456965 (VCV001456965.6), dbSNP rs2130712718, ClinGen allele CA2573142930.